The following is an entry in ClinVar:

ClinVar aggregate classification (germline): Uncertain significance. Review status: criteria provided, multiple submitters, no conflicts (2 of 4 stars). 2 submissions from 2 submitters: Uncertain significance (2). Last evaluated 2025-12-04.

Conditions:
Inborn genetic diseases. Identifiers: MedGen C0950123, MeSH D030342.
Mosaic variegated aneuploidy syndrome 2 (MVA2). Identifiers: Orphanet 1052, MedGen C3279843, MONDO:0013582, OMIM 614114.

Allele frequency attached by ClinVar (database versions not stated): TOPMed below 0.00001; gnomAD 0.00001.
gnomAD v4.1: 26 of 1,613,952 alleles (0.0016%); highest among the groups gnomAD compares: South Asian, 0.0099%; no homozygotes.

Submissions (2):

Ambry Genetics
Classification: Uncertain significance for Inborn genetic diseases. Last evaluated: 2025-12-04. Review status: criteria provided, single submitter. Criteria: Ambry Variant Classification Scheme 2023. Collection method: clinical testing. Allele origin: germline.
Comment: The p.L50I variant (also known as c.148C>A), located in coding exon 2 of the CEP57 gene, results from a C to A substitution at nucleotide position 148. The leucine at codon 50 is replaced by isoleucine, an amino acid with highly similar properties. This amino acid position is conserved. In addition, this alteration is predicted to be tolerated by in silico analysis. Based on the available evidence, the clinical significance of this variant remains unclear.

Labcorp Genetics (formerly Invitae), Labcorp
Classification: Uncertain significance for Mosaic variegated aneuploidy syndrome 2. Last evaluated: 2024-01-28. Review status: criteria provided, single submitter. Criteria: Invitae Variant Classification Sherloc (09022015). Collection method: clinical testing. Allele origin: germline.
Comment: This sequence change replaces leucine, which is neutral and non-polar, with isoleucine, which is neutral and non-polar, at codon 50 of the CEP57 protein (p.Leu50Ile). This variant is present in population databases (no rsID available, gnomAD 0.003%). This variant has not been reported in the literature in individuals affected with CEP57-related conditions. Advanced modeling of protein sequence and biophysical properties (such as structural, functional, and spatial information, amino acid conservation, physicochemical variation, residue mobility, and thermodynamic stability) performed at Invitae indicates that this missense variant is not expected to disrupt CEP57 protein function with a negative predictive value of 80%. In summary, the available evidence is currently insufficient to determine the role of this variant in disease. Therefore, it has been classified as a Variant of Uncertain Significance.

NM_014679.5(CEP57):c.148C>A (p.Leu50Ile)

Gene: CEP57 (centrosomal protein 57; plus strand). Cytogenetic location: 11q21.
Variant type: single nucleotide variant.
Coding change: c.148C>A on transcript NM_014679.5 (MANE Select); coding-DNA position 148, C replaced by A.
Protein change: p.Leu50Ile; replaces leucine 50 with isoleucine.
Molecular consequence: missense variant.
Genome position (GRCh38, 1-based): chr11:95,799,334, C>A. VCF-style: chr11-95799334-C-A. GRCh37 (hg19) VCF-style: chr11-95532498-C-A.
Other names: c.121C>A, p.Leu41Ile (NM_001243776.2); c.148C>A, p.Leu50Ile (NM_001243777.2); c.67C>A, p.Leu23Ile (NM_001363604.2); c.148C>A (NM_014679.4); short protein forms L41I, L23I, L50I.
Identifiers: ClinVar variation 2723651 (VCV002723651.4), dbSNP rs781186734, ClinGen allele CA226616849.